The following is an entry in ClinVar:

NM_001378454.1(ALMS1):c.91G>A (p.Ala31Thr)

Gene: ALMS1 (ALMS1 centrosome and basal body associated protein; plus strand). Cytogenetic location: 2p13.1.
Variant type: single nucleotide variant.
Coding change: c.91G>A on transcript NM_001378454.1 (MANE Select); coding-DNA position 91, G replaced by A.
Protein change: p.Ala31Thr; replaces alanine 31 with threonine.
Molecular consequence: missense variant.
Genome position (GRCh38, 1-based): chr2:73,385,959, G>A. VCF-style: chr2-73385959-G-A. GRCh37 (hg19) VCF-style: chr2-73613087-G-A.
Other names: c.94G>A, p.Ala32Thr (NM_015120.4); short protein forms A31T, A32T.
Identifiers: ClinVar variation 4990696 (VCV004990696.1).

ClinVar aggregate classification (germline): Uncertain significance (1 of 4 stars; one submission).

Conditions:
ALMS1-related disorder. Also called: ALMS1-related condition.

Submission:

PreventionGenetics, part of Exact Sciences
Classification: Uncertain significance for ALMS1-related condition. Last evaluated: 2026-04-15. Review status: criteria provided, single submitter. Criteria: ACMG Guidelines, 2015. Collection method: clinical testing. Allele origin: germline.
Comment: The ALMS1 c.94G>A variant is predicted to result in the amino acid substitution p.Ala32Thr. To our knowledge, this variant has not been reported in the literature. This variant is reported in 0.0043% of alleles in individuals of European (Non-Finnish) descent in gnomAD. At this time, the clinical significance of this variant is uncertain due to the absence of conclusive functional and genetic evidence.